The following is an entry in ClinVar:

NM_001130438.3(SPTAN1):c.3248G>A (p.Arg1083His)

Gene: SPTAN1 (spectrin alpha, non-erythrocytic 1; plus strand). Cytogenetic location: 9q34.11.
Variant type: single nucleotide variant.
Coding change: c.3248G>A on transcript NM_001130438.3 (MANE Select); coding-DNA position 3248, G replaced by A.
Protein change: p.Arg1083His; replaces arginine 1083 with histidine.
Molecular consequence: missense variant.
Genome position (GRCh38, 1-based): chr9:128,594,207, G>A. VCF-style: chr9-128594207-G-A. GRCh37 (hg19) VCF-style: chr9-131356486-G-A.
Other names: p.R1083H:CGT>CAT; c.3188G>A, p.Arg1063His (NM_001195532.2, NM_001363765.2); c.3248G>A, p.Arg1083His (NM_001363759.2, NM_003127.4); short protein forms R1083H, R1063H.
Identifiers: ClinVar variation 207331 (VCV000207331.12), dbSNP rs369611161, ClinGen allele CA318694.
Genomic context (GRCh38, chr9:128,594,207, plus strand): 5'-CTCTTGTCACCCTCTTGAATTCCATCAGATATCATTCTCTGCTGGAACTGGGTGAGAAGC[G>A]TAAAGGCATGTTGGAGAAGAGTTGCAAGAAGTTTATGTTGTTCCGTGAAGCGAATGAACT-3'
Protein context (NP_001123910.1, residues 1073-1093): YHSLLELGEK[Arg1083His]KGMLEKSCKK

ClinVar aggregate classification (germline): Uncertain significance. Review status: criteria provided, multiple submitters, no conflicts (2 of 4 stars). 3 submissions from 3 submitters: Uncertain significance (3). Last evaluated 2025-08-13.

Conditions:
Inborn genetic diseases. Identifiers: MedGen C0950123, MeSH D030342.
Developmental and epileptic encephalopathy. Identifiers: MedGen C5779964, MONDO:0100620.

Allele frequency attached by ClinVar (database versions not stated): gnomAD exomes 0.00002 and 0.00003; gnomAD 0.00003; ExAC 0.00004; TOPMed 0.00006; ESP Exome Variant Server 0.00008.
gnomAD v4.1: 40 of 1,613,990 alleles (0.0025%); highest among the groups gnomAD compares: Middle Eastern, 0.016%; no homozygotes.

Submissions (3):

Ambry Genetics
Classification: Uncertain significance for Inborn genetic diseases. Last evaluated: 2025-08-13. Review status: criteria provided, single submitter. Criteria: Ambry Variant Classification Scheme 2023. Collection method: clinical testing. Allele origin: germline.

Labcorp Genetics (formerly Invitae), Labcorp
Classification: Uncertain significance for Early-infantile DEE. Last evaluated: 2024-06-09. Review status: criteria provided, single submitter. Criteria: Invitae Variant Classification Sherloc (09022015). Collection method: clinical testing. Allele origin: germline.
Comment: This sequence change replaces arginine, which is basic and polar, with histidine, which is basic and polar, at codon 1083 of the SPTAN1 protein (p.Arg1083His). This variant is present in population databases (rs369611161, gnomAD 0.004%). This variant has not been reported in the literature in individuals affected with SPTAN1-related conditions. ClinVar contains an entry for this variant (Variation ID: 207331). Advanced modeling of protein sequence and biophysical properties (such as structural, functional, and spatial information, amino acid conservation, physicochemical variation, residue mobility, and thermodynamic stability) has been performed at Invitae for this missense variant, however the output from this modeling did not meet the statistical confidence thresholds required to predict the impact of this variant on SPTAN1 protein function. In summary, the available evidence is currently insufficient to determine the role of this variant in disease. Therefore, it has been classified as a Variant of Uncertain Significance.

GeneDx
Classification: Uncertain significance. Last evaluated: 2014-03-12. Review status: criteria provided, single submitter. Criteria: GeneDx Variant Classification (06012015). Collection method: clinical testing. Allele origin: germline. Affected: yes.
Comment: p.Arg1083His (CGT>CAT): c.3248 G>A in exon 24 of the SPTAN1 gene (NM_001130438.2) The R1083H variant has not been published as a mutation, nor has it been reported as a benign polymorphism to our knowledge. The R1083H variant was not observed with any significant frequency in approximately 6,500 individuals of European and African American ancestry in the NHLBI Exome Sequencing Project. The R1083H variant is a conservative amino acid substitution, which is not likely to impact secondary protein structure as these residues share similar properties. This substitution occurs at a position that is conserved across species, and in silico analysis predicts that R1083H is probably damaging to the protein structure/function. However, previously reported pathogenic mutations in SPTAN1 include in-frame deletions or duplications located within the last four spectrin repeats of the protein, which are essential for dimerization (Saitsu et al., 2010), and the Arg1083 residue is outside this region. Therefore, based on the currently available information, it is unclear whether this variant is a pathogenic mutation or a rare benign variant. The variant is found in EPILEPSY panel(s).